The following is an entry in ClinVar:

ClinVar aggregate classification (germline): Uncertain significance (1 of 4 stars; one submission).

Submission:

Labcorp Genetics (formerly Invitae), Labcorp
Classification: Uncertain significance. Last evaluated: 2025-07-06. Review status: criteria provided, single submitter. Criteria: Invitae Variant Classification Sherloc (09022015). Collection method: clinical testing. Allele origin: germline.
Comment: This variant, c.2367_2372del, results in the deletion of 2 amino acid(s) of the SYNPO protein (p.Pro799_Pro800del), but otherwise preserves the integrity of the reading frame. This variant is present in population databases (rs747545051, gnomAD 0.04%). This variant has not been reported in the literature in individuals affected with SYNPO-related conditions. ClinVar contains an entry for this variant (Variation ID: 2076964). Experimental studies and prediction algorithms are not available or were not evaluated, and the functional significance of this variant is currently unknown. In summary, the available evidence is currently insufficient to determine the role of this variant in disease. Therefore, it has been classified as a Variant of Uncertain Significance.

NM_007286.6(SYNPO):c.2367_2372del (p.Pro799_Pro800del)

Genes: SYNPO (synaptopodin; plus strand), LOC129995011 (ATAC-STARR-seq lymphoblastoid silent region 16516; plus strand). Cytogenetic location: 5q33.1.
Variant type: Deletion.
Coding change: c.2367_2372del on transcript NM_007286.6 (MANE Select); coding-DNA positions 2367 to 2372, 6 bases deleted (ACCGCC; older notation c.2367_2372delACCGCC).
Protein change: p.Pro799_Pro800del.
Molecular consequence: inframe deletion.
Genome position (GRCh38, 1-based): chr5:150,656,742-150,656,747, ACCGCC deleted; deleting any 6 consecutive bases within chr5:150,656,738-150,656,747 gives the same sequence; the c. name uses the placement nearest the transcript's 3' end. VCF-style (leftmost placement, unchanged base first): chr5-150656737-GCGCCAC-G. GRCh37 (hg19) VCF-style: chr5-150036299-GCGCCAC-G.
Identifiers: ClinVar variation 2076964 (VCV002076964.3), dbSNP rs747545051, ClinGen allele CA3513604.